The following is an entry in ClinVar:

ClinVar aggregate classification (germline): Conflicting classifications of pathogenicity. Review status: criteria provided, conflicting classifications (1 of 4 stars). 2 submissions from 2 submitters: Uncertain significance (1); Likely benign (1). Last evaluated 2025-08-09.

Conditions:
Congenital myopathy with internal nuclei and atypical cores. Also called: Myopathy, centronuclear, 4. Identifiers: Orphanet 319160, MedGen C4707232, MONDO:0013890, OMIM 614807.

Allele frequency attached by ClinVar (database versions not stated): ESP Exome Variant Server 0.00008.
gnomAD v4.1: 112 of 1,611,948 alleles (0.0069%); highest among the groups gnomAD compares: Non-Finnish European, 0.0088%; no homozygotes.

Submissions (2):

Labcorp Genetics (formerly Invitae), Labcorp
Classification: Uncertain significance for Congenital myopathy with internal nuclei and atypical cores. Last evaluated: 2025-08-09. Review status: criteria provided, single submitter. Criteria: Invitae Variant Classification Sherloc (09022015). Collection method: clinical testing. Allele origin: germline.
Comment: This sequence change replaces arginine, which is basic and polar, with leucine, which is neutral and non-polar, at codon 231 of the CCDC78 protein (p.Arg231Leu). This variant is present in population databases (rs147504073, gnomAD 0.005%). This variant has not been reported in the literature in individuals affected with CCDC78-related conditions. ClinVar contains an entry for this variant (Variation ID: 1398368). Invitae Evidence Modeling of protein sequence and biophysical properties (such as structural, functional, and spatial information, amino acid conservation, physicochemical variation, residue mobility, and thermodynamic stability) indicates that this missense variant is not expected to disrupt CCDC78 protein function with a negative predictive value of 80%. In summary, the available evidence is currently insufficient to determine the role of this variant in disease. Therefore, it has been classified as a Variant of Uncertain Significance.

CeGaT Center for Human Genetics Tuebingen
Classification: Likely benign. Last evaluated: 2023-08-01. Review status: criteria provided, single submitter. Criteria: CeGaT Center For Human Genetics Tuebingen Variant Classification Criteria Version 2. Collection method: clinical testing. Allele origin: germline. Affected: yes. Observed: 1 variant allele.
Comment: CCDC78: BP4

NM_001378030.1(CCDC78):c.692G>T (p.Arg231Leu)

Gene: CCDC78 (coiled-coil domain containing 78; minus strand). Cytogenetic location: 16p13.3.
Variant type: single nucleotide variant.
Coding change: c.692G>T on transcript NM_001378030.1 (MANE Select); coding-DNA position 692, G replaced by T.
Protein change: p.Arg231Leu; replaces arginine 231 with leucine.
Molecular consequence: missense variant. On other transcripts: non-coding transcript variant (5), intron variant (1).
Genome position (GRCh38, 1-based): chr16:724,754, C>A on the plus strand (G>T on the coding strand, the complement: CCDC78 is on the minus strand). VCF-style: chr16-724754-C-A. GRCh37 (hg19) VCF-style: chr16-774754-C-A.
Other names: c.692G>T, p.Arg231Leu (NM_001031737.3, NM_001378031.1); c.199-245G>T (NM_001378033.1); short protein forms R231L.
Identifiers: ClinVar variation 1398368 (VCV001398368.32), dbSNP rs147504073, ClinGen allele CA7789455.